The following is an entry in ClinVar:

ClinVar aggregate classification (germline): Uncertain significance. Review status: criteria provided, multiple submitters, no conflicts (2 of 4 stars). 2 submissions from 2 submitters: Uncertain significance (2). Last evaluated 2025-07-07.

Conditions:
Hereditary cancer-predisposing syndrome. Also called: Tumor predisposition; Hereditary neoplastic syndrome; Neoplastic Syndromes, Hereditary; Hereditary Cancer Syndrome. Identifiers: Orphanet 140162, MedGen C0027672, MeSH D009386, MONDO:0015356.
EGFR-related lung cancer (EGFR). Identifiers: MedGen CN130014.

Allele frequency attached by ClinVar (database versions not stated): gnomAD 0.00001; TOPMed 0.00001.
gnomAD v4.1: 2 of 1,614,058 alleles (0.00012%); highest among the groups gnomAD compares: Non-Finnish European, 0.00017%; no homozygotes.

Submissions (2):

Labcorp Genetics (formerly Invitae), Labcorp
Classification: Uncertain significance for EGFR-related lung cancer. Last evaluated: 2025-07-07. Review status: criteria provided, single submitter. Criteria: Invitae Variant Classification Sherloc (09022015). Collection method: clinical testing. Allele origin: germline.
Comment: This sequence change replaces arginine, which is basic and polar, with glycine, which is neutral and non-polar, at codon 1031 of the EGFR protein (p.Arg1031Gly). This variant is not present in population databases (gnomAD no frequency). This variant has not been reported in the literature in individuals affected with EGFR-related conditions. ClinVar contains an entry for this variant (Variation ID: 857159). An algorithm developed to predict the effect of missense changes on protein structure and function (PolyPhen-2) suggests that this variant is likely to be disruptive. In summary, the available evidence is currently insufficient to determine the role of this variant in disease. Therefore, it has been classified as a Variant of Uncertain Significance.

Ambry Genetics
Classification: Uncertain significance for Hereditary cancer-predisposing syndrome. Last evaluated: 2025-01-06. Review status: criteria provided, single submitter. Criteria: Ambry Variant Classification Scheme 2023. Collection method: clinical testing. Allele origin: germline.
Comment: The p.R1031G variant (also known as c.3091C>G), located in coding exon 25 of the EGFR gene, results from a C to G substitution at nucleotide position 3091. The arginine at codon 1031 is replaced by glycine, an amino acid with dissimilar properties. This amino acid position is conserved. In addition, the in silico prediction for this alteration is inconclusive. Based on the available evidence, the clinical significance of this variant remains unclear.

NM_005228.5(EGFR):c.3091C>G (p.Arg1031Gly)

Gene: EGFR (epidermal growth factor receptor; plus strand). Cytogenetic location: 7p11.2.
Variant type: single nucleotide variant.
Coding change: c.3091C>G on transcript NM_005228.5 (MANE Select); coding-DNA position 3091, C replaced by G.
Protein change: p.Arg1031Gly; replaces arginine 1031 with glycine.
Molecular consequence: missense variant.
Genome position (GRCh38, 1-based): chr7:55,201,332, C>G. VCF-style: chr7-55201332-C-G. GRCh37 (hg19) VCF-style: chr7-55269025-C-G.
Other names: c.2956C>G, p.Arg986Gly (NM_001346897.2, NM_001346899.2); c.3091C>G, p.Arg1031Gly (NM_001346898.2); c.2932C>G, p.Arg978Gly (NM_001346900.2); c.2290C>G, p.Arg764Gly (NM_001346941.2); short protein forms R764G, R978G, R986G, R1031G.
Identifiers: ClinVar variation 857159 (VCV000857159.10), dbSNP rs1490923813, ClinGen allele CA367582734.